The following is an entry in ClinVar:

NM_001385.3(DPYS):c.1469G>A (p.Arg490His)

Gene: DPYS (dihydropyrimidinase; minus strand). Cytogenetic location: 8q22.3.
Variant type: single nucleotide variant.
Coding change: c.1469G>A on transcript NM_001385.3 (MANE Select); coding-DNA position 1469, G replaced by A.
Protein change: p.Arg490His; replaces arginine 490 with histidine.
Molecular consequence: missense variant.
Genome position (GRCh38, 1-based): chr8:104,381,289, C>T on the plus strand (G>A on the coding strand, the complement: DPYS is on the minus strand). VCF-style: chr8-104381289-C-T. GRCh37 (hg19) VCF-style: chr8-105393517-C-T.
Other names: DPYS, ARG490HIS (rs189448963); short protein forms R490H.
Identifiers: ClinVar variation 909729 (VCV000909729.20), dbSNP rs189448963, ClinGen allele CA4838267.
Genomic context (GRCh38, chr8:104,381,289, plus strand): 5'-GTGGCATCTTCTTTTGTCACTCTGGATTTCAGTGTGGCGACTTCTCCCTTATAGGGTGCA[C>T]GCTCCACAGGGGTAGGTGTGCAAGTCTGAAAGAGAACATTTCATTTCTCTCTTGTGGTTT-3'
Protein context (NP_001376.1, residues 480-500): DRTCTPTPVE[Arg490His]APYKGEVATL

ClinVar aggregate classification (germline): Pathogenic/Likely pathogenic. Review status: criteria provided, multiple submitters, no conflicts (2 of 4 stars). 8 submissions from 8 submitters: Pathogenic (2); Likely pathogenic (5). 1 of the submissions does not count toward it. Last evaluated 2025-08-14.

Conditions:
DPYS-related disorder. Also called: DPYS-related condition.
DPYS-related disorders.
Dihydropyrimidinase deficiency (DPYSD). Also called: DPH DEFICIENCY; DPYS DEFICIENCY; dihydropyrimidinuria. Identifiers: Orphanet 38874, MedGen C0342803, MONDO:0009111, OMIM 222748.

Allele frequency attached by ClinVar (database versions not stated): 1000 Genomes Project 0.00080; 1000 Genomes Project 30x 0.00094; ESP Exome Variant Server 0.00015; TOPMed 0.00018; gnomAD exomes 0.00020 and 0.00024; gnomAD 0.00021 and 0.00023; ExAC 0.00023.
gnomAD v4.1: 333 of 1,614,098 alleles (0.021%); highest among the groups gnomAD compares: East Asian, 0.027%; no homozygotes.

Submissions (8):

Variantyx, Inc.
Classification: Likely pathogenic for Dihydropyrimidinase deficiency. Last evaluated: 2025-08-14. Review status: criteria provided, single submitter. Criteria: Variantyx Assertion Criteria 2022. Collection method: clinical testing. Allele origin: germline. Inheritance: Autosomal recessive inheritance. Affected: no.
Comment: This is a nonsynonymous variant in the DPYS gene (OMIM: 613326). Pathogenic variants in this gene have been associated with autosomal recessive dihydropyrimidinase deficiency. Multiple computational algorithms predict a deleterious effect for this variant (REVEL score: 0.758). In line with this prediction, functional studies have shown that this variant alters DPYS protein function (PMID: 29054612, 36414408) (PS3). An alternate amino acid change at this position (p.Arg490Cys) has been previously reported in similarly affected individuals, which suggests that this residue is biologically important (PMID: 30384990) (PM5). This variant has a 0.0267% maximum allele frequency in non-founder control populations (PM2). Based on the current evidence, this variant is classified as likely pathogenic for autosomal recessive dihydropyrimidinase deficiency.

Labcorp Genetics (formerly Invitae), Labcorp
Classification: Pathogenic. Last evaluated: 2025-05-03. Review status: criteria provided, single submitter. Criteria: Invitae Variant Classification Sherloc (09022015). Collection method: clinical testing. Allele origin: germline.
Comment: This sequence change replaces arginine, which is basic and polar, with histidine, which is basic and polar, at codon 490 of the DPYS protein (p.Arg490His). This variant is present in population databases (rs189448963, gnomAD 0.1%). This missense change has been observed in individual(s) with dihydropyrimidinase deficiency (PMID: 29054612, 30384990). ClinVar contains an entry for this variant (Variation ID: 909729). An algorithm developed to predict the effect of missense changes on protein structure and function (PolyPhen-2) suggests that this variant is likely to be disruptive. Experimental studies have shown that this missense change affects DPYS function (PMID: 29054612). This variant disrupts the p.Arg490 amino acid residue in DPYS. Other variant(s) that disrupt this residue have been determined to be pathogenic (PMID: 20362666, 29054612). This suggests that this residue is clinically significant, and that variants that disrupt this residue are likely to be disease-causing. For these reasons, this variant has been classified as Pathogenic.

PreventionGenetics, part of Exact Sciences
Classification: Likely pathogenic for DPYS-related condition. Last evaluated: 2025-03-06. Review status: criteria provided, single submitter. Criteria: ACMG Guidelines, 2015. Collection method: clinical testing. Allele origin: germline.
Comment: The DPYS c.1469G>A variant is predicted to result in the amino acid substitution p.Arg490His. This variant was reported in individuals with dihydropyrimidinase deficiency (Nakajima et al. 2017. PubMed ID: 29054612, Tsuchiya et al. 2018. PubMed ID: 30384990). In vitro functional characterization showed that it leads to diminished DHP activity (Nakajima et al. 2017. PubMed ID: 29054612). This variant is reported in 0.11% of alleles in individuals of European (Finnish) descent in gnomAD. This variant is interpreted as likely pathogenic.

Victorian Clinical Genetics Services, Murdoch Childrens Research Institute
Classification: Pathogenic for Dihydropyrimidinase deficiency. Last evaluated: 2024-10-09. Review status: criteria provided, single submitter. Criteria: ACMG Guidelines, 2015. Collection method: clinical testing. Allele origin: germline. Inheritance: Autosomal recessive inheritance. Affected: yes.
Comment: Based on the classification scheme VCGS_Germline_v1.3.5, this variant is classified as Pathogenic. Following criteria are met: 0102 - Loss of function is a known mechanism of disease in this gene and is associated with Dihydropyrimidinase deficiency (MIM#222748). (I) 0106 - This gene is associated with autosomal recessive disease. (I) 0112 - The condition associated with this gene has incomplete penetrance. The clinical presentation can be highly variable, with compound heterozygous or homozygous individuals also reported as asymptomatic (OMIM, PMID: 20362666). (I) 0200 - Variant is predicted to result in a missense amino acid change from arginine to histidine. (I) 0251 - This variant is heterozygous. (I) 0304 - Variant is present in gnomAD (v4) <0.01 for a recessive condition (333 heterozygotes, 0 homozygotes). (SP) 0309 - An alternative amino acid change at the same position has been observed in gnomAD (v4) (78 heterozygotes, 0 homozygotes). (I) 0502 - Missense variant with conflicting in silico predictions and uninformative conservation. (I) 0604 - Variant is not located in an established domain, motif, hotspot or informative constraint region. (I) 0702 - Other missense variants comparable to the one identified in this case have strong previous evidence for pathogenicity. p.(Arg490Cys) has been reported as homozygous or compound heterozygous in multiple affected individuals (ClinVar, PMIDs: 32472544, 20362666, 29054612), while p.(Arg490Thr) has been reported in an unaffected individual (PMID:9718352). (SP) 0802 - This variant has moderate previous evidence of pathogenicity in unrelated individuals. There have been several reports of affected individuals with this variant (ClinVar, PMID: 29054612). (SP) 0905 - No published segregation evidence has been identified for this variant. (I) 1002 - This variant has moderate functional evidence supporting abnormal protein function. This variant shows reduced enzymatic activity compared to wildtype, and an inability to form oligomers (PMIDs: 29054612). (SP) 1101 - Very strong and specific phenotype match for this individual. (I) Legend: (SP) - Supporting pathogenic, (I) - Information, (SB) - Supporting benign

Illumina Laboratory Services, Illumina
Classification: Likely pathogenic for Dihydropyrimidinase deficiency. Last evaluated: 2024-09-05. Review status: criteria provided, single submitter. Criteria: ICSLVariantClassificationCriteria RUGD 01 April 2020. Collection method: clinical testing. Allele origin: unknown.

Blueprint Genetics
Classification: Likely pathogenic for DPYS-related disorders. Last evaluated: 2024-03-27. Review status: criteria provided, single submitter. Criteria: ACMG Guidelines, 2015. Collection method: clinical testing. Allele origin: germline. Affected: yes. Observed: 5 variant alleles.

GeneDx
Classification: Likely pathogenic. Last evaluated: 2022-08-05. Review status: criteria provided, single submitter. Criteria: GeneDx Variant Classification Process June 2021. Collection method: clinical testing. Allele origin: germline. Affected: yes.
Comment: Identified in patients in published literature with biochemical evidence of dihydropyrimidinase deficiency, but no definitively related symptoms (Nakajima et al., 2017; Tsuchiya et al., 2019); Published functional studies demonstrate a damaging effect: reduced DHP activity (Nakajima et al., 2017); In silico analysis supports that this missense variant has a deleterious effect on protein structure/function; This variant is associated with the following publications: (PMID: 29054612, 30384990, 34426522, 32619063, 32707991)

OMIM
Classification: Pathogenic for DIHYDROPYRIMIDINASE DEFICIENCY. Last evaluated: 2020-07-17. Review status: no assertion criteria provided. Collection method: literature only. Allele origin: germline. Not counted in ClinVar's aggregate classification.

Literature cited by the submitters: PubMed 29054612 (cited by 4 submitters); PubMed 36414408 (cited by Variantyx, Inc. and Victorian Clinical Genetics Services, Murdoch Childrens Research Institute); PubMed 30384990 (cited by Labcorp Genetics (formerly Invitae), Labcorp and Victorian Clinical Genetics Services, Murdoch Childrens Research Institute); PubMed 20362666 (cited by Labcorp Genetics (formerly Invitae), Labcorp and Victorian Clinical Genetics Services, Murdoch Childrens Research Institute); PubMed 9718352 (cited by Victorian Clinical Genetics Services, Murdoch Childrens Research Institute); PubMed 32472544 (cited by Victorian Clinical Genetics Services, Murdoch Childrens Research Institute).